The following is an entry in ClinVar:

ClinVar aggregate classification (germline): Uncertain significance (1 of 4 stars; one submission).

Conditions:
Duchenne muscular dystrophy (DMD). Also called: MUSCULAR DYSTROPHY, PSEUDOHYPERTROPHIC PROGRESSIVE, DUCHENNE TYPE; Duchenne Muscular Dystrophy (DMD). Identifiers: Orphanet 98896, MedGen C0013264, MONDO:0010679, OMIM 310200.

Submissions (2):

Labcorp Genetics (formerly Invitae), Labcorp
Classification: Uncertain significance for Duchenne muscular dystrophy. Last evaluated: 2025-12-31. Review status: criteria provided, single submitter. Criteria: Invitae Variant Classification Sherloc (09022015). Collection method: clinical testing. Allele origin: germline.
Comment: This sequence change replaces glycine, which is neutral and non-polar, with valine, which is neutral and non-polar, at codon 2265 of the DMD protein (p.Gly2265Val). This variant is not present in population databases (gnomAD no frequency). This variant has not been reported in the literature in individuals affected with DMD-related conditions. ClinVar contains an entry for this variant (Variation ID: 2896532). Invitae Evidence Modeling of protein sequence and biophysical properties (such as structural, functional, and spatial information, amino acid conservation, physicochemical variation, residue mobility, and thermodynamic stability) indicates that this missense variant is not expected to disrupt DMD protein function with a negative predictive value of 95%. In summary, the available evidence is currently insufficient to determine the role of this variant in disease. Therefore, it has been classified as a Variant of Uncertain Significance.

Dr. Peter K. Rogan Lab, Western University
No classification provided (evidence only). Condition: Thyroid cancer, nonmedullary, 1. Review status: no classification provided. Collection method: in vitro. Allele origin: not applicable. Functional consequence: retained intron. Not counted in ClinVar's aggregate classification.

NM_004006.3(DMD):c.6794G>T (p.Gly2265Val)

Gene: DMD (dystrophin; minus strand). Cytogenetic location: Xp21.1.
Variant type: single nucleotide variant.
Coding change: c.6794G>T on transcript NM_004006.3 (MANE Select); coding-DNA position 6794, G replaced by T.
Protein change: p.Gly2265Val; replaces glycine 2265 with valine.
Molecular consequence: missense variant. On other transcripts: 5 prime UTR variant (5).
Genome position (GRCh38, 1-based): chrX:31,929,714, C>A on the plus strand (G>T on the coding strand, the complement: DMD is on the minus strand). VCF-style: chrX-31929714-C-A. GRCh37 (hg19) VCF-style: chrX-31947831-C-A.
Other names: c.6770G>T, p.Gly2257Val (NM_000109.4); c.6782G>T, p.Gly2261Val (NM_004009.3); c.6425G>T, p.Gly2142Val (NM_004010.3); c.2771G>T, p.Gly924Val (NM_004011.4); c.2762G>T, p.Gly921Val (NM_004012.4); c.-587G>T (NM_004013.3, NM_004020.4, NM_004021.3 and 2 more transcripts); short protein forms G2142V, G2257V, G924V, G2261V, G2265V, G921V.
Identifiers: ClinVar variation 2896532 (VCV002896532.4), dbSNP rs2533419309, ClinGen allele CA412658006.